The following is an entry in ClinVar:

NM_001759.4(CCND2):c.614G>C (p.Gly205Ala)

Gene: CCND2 (cyclin D2; plus strand). Cytogenetic location: 12p13.32.
Variant type: single nucleotide variant.
Coding change: c.614G>C on transcript NM_001759.4 (MANE Select); coding-DNA position 614, G replaced by C.
Protein change: p.Gly205Ala; replaces glycine 205 with alanine.
Molecular consequence: missense variant.
Genome position (GRCh38, 1-based): chr12:4,288,884, G>C. VCF-style: chr12-4288884-G-C. GRCh37 (hg19) VCF-style: chr12-4398050-G-C.
Other names: short protein forms G205A.
Identifiers: ClinVar variation 2579408 (VCV002579408.1), dbSNP rs2497507871, ClinGen allele CA383412221.
Genomic context (GRCh38, chr12:4,288,884, plus strand): 5'-GCCTCTCATTCCTTGCAGACTTTAAGTTTGCCATGTACCCACCGTCGATGATCGCAACTG[G>C]AAGTGTGGGAGCAGCCATCTGTGGGCTCCAGCAGGATGAGGAAGTGAGCTCGCTCACTTG-3'
Protein context (NP_001750.1, residues 195-215): AMYPPSMIAT[Gly205Ala]SVGAAICGLQ

ClinVar aggregate classification (germline): Uncertain significance (1 of 4 stars; one submission).

Allele frequency attached by ClinVar (database versions not stated): gnomAD exomes below 0.00001.
gnomAD v4.1: 1 of 1,613,776 alleles (0.000062%); highest among the groups gnomAD compares: Non-Finnish European, 0.000085%; no homozygotes.

Submission:

GeneDx
Classification: Uncertain significance. Last evaluated: 2023-03-02. Review status: criteria provided, single submitter. Criteria: GeneDx Variant Classification Process June 2021. Collection method: clinical testing. Allele origin: germline. Affected: yes.
Comment: Not observed at significant frequency in large population cohorts (gnomAD); In silico analysis supports that this missense variant has a deleterious effect on protein structure/function; Has not been previously published as pathogenic or benign to our knowledge